The following is an entry in ClinVar:

NM_000435.3(NOTCH3):c.2652C>G (p.Cys884Trp)

Gene: NOTCH3 (notch receptor 3; minus strand). Cytogenetic location: 19p13.12.
Variant type: single nucleotide variant.
Coding change: c.2652C>G on transcript NM_000435.3 (MANE Select); coding-DNA position 2652, C replaced by G.
Protein change: p.Cys884Trp; replaces cysteine 884 with tryptophan.
Molecular consequence: missense variant.
Genome position (GRCh38, 1-based): chr19:15,181,716, G>C on the plus strand (C>G on the coding strand, the complement: NOTCH3 is on the minus strand). VCF-style: chr19-15181716-G-C. GRCh37 (hg19) VCF-style: chr19-15292527-G-C.
Other names: short protein forms C884W.
Identifiers: ClinVar variation 3381536 (VCV003381536.2).

ClinVar aggregate classification (germline): Uncertain significance. Review status: criteria provided, multiple submitters, no conflicts (2 of 4 stars). 2 submissions from 2 submitters: Uncertain significance (2). Last evaluated 2026-08-05.

Conditions:
Inborn genetic diseases. Identifiers: MedGen C0950123, MeSH D030342.

Submissions (2):

Ambry Genetics
Classification: Uncertain significance for Inborn genetic diseases. Last evaluated: 2026-08-05. Review status: criteria provided, single submitter. Criteria: Ambry Variant Classification Scheme 2023. Collection method: clinical testing. Allele origin: germline.

GeneDx
Classification: Uncertain significance. Last evaluated: 2024-05-20. Review status: criteria provided, single submitter. Criteria: GeneDx Variant Classification Process June 2021. Collection method: clinical testing. Allele origin: germline. Affected: yes.
Comment: Not observed at significant frequency in large population cohorts (gnomAD); In silico analysis supports that this missense variant has a deleterious effect on protein structure/function; Has not been previously published as pathogenic or benign to our knowledge